The following is an entry in ClinVar:

NM_003737.4(DCHS1):c.502C>T (p.Arg168Cys)

Gene: DCHS1 (dachsous cadherin-related 1; minus strand). Cytogenetic location: 11p15.4.
Variant type: single nucleotide variant.
Coding change: c.502C>T on transcript NM_003737.4 (MANE Select); coding-DNA position 502, C replaced by T.
Protein change: p.Arg168Cys; replaces arginine 168 with cysteine.
Molecular consequence: missense variant.
Genome position (GRCh38, 1-based): chr11:6,641,112, G>A on the plus strand (C>T on the coding strand, the complement: DCHS1 is on the minus strand). VCF-style: chr11-6641112-G-A. GRCh37 (hg19) VCF-style: chr11-6662343-G-A.
Other names: short protein forms R168C.
Identifiers: ClinVar variation 2152102 (VCV002152102.4), dbSNP rs776788765, ClinGen allele CA5861145.

ClinVar aggregate classification (germline): Uncertain significance (1 of 4 stars; one submission).

Allele frequency attached by ClinVar (database versions not stated): ExAC 0.00001; TOPMed 0.00001; gnomAD exomes 0.00002.
gnomAD v4.1: 28 of 1,613,908 alleles (0.0017%); highest among the groups gnomAD compares: South Asian, 0.0022%; no homozygotes.

Submission:

Labcorp Genetics (formerly Invitae), Labcorp
Classification: Uncertain significance. Last evaluated: 2022-02-28. Review status: criteria provided, single submitter. Criteria: Invitae Variant Classification Sherloc (09022015). Collection method: clinical testing. Allele origin: germline.
Comment: This sequence change replaces arginine, which is basic and polar, with cysteine, which is neutral and slightly polar, at codon 168 of the DCHS1 protein (p.Arg168Cys). In summary, the available evidence is currently insufficient to determine the role of this variant in disease. Therefore, it has been classified as a Variant of Uncertain Significance. Advanced modeling of protein sequence and biophysical properties (such as structural, functional, and spatial information, amino acid conservation, physicochemical variation, residue mobility, and thermodynamic stability) performed at Invitae indicates that this missense variant is not expected to disrupt DCHS1 protein function. This missense change has been observed in individual(s) with clinical features of DCHS1-related conditions (PMID: 30138938). This variant is present in population databases (rs776788765, gnomAD 0.006%).

Literature cited by the submitters: PubMed 30138938.